The following is an entry in ClinVar:

NM_000138.5(FBN1):c.5656C>G (p.Gln1886Glu)

Gene: FBN1 (fibrillin 1; minus strand). Cytogenetic location: 15q21.1.
Variant type: single nucleotide variant.
Coding change: c.5656C>G on transcript NM_000138.5 (MANE Select); coding-DNA position 5656, C replaced by G.
Protein change: p.Gln1886Glu; replaces glutamine 1886 with glutamic acid.
Molecular consequence: missense variant.
Genome position (GRCh38, 1-based): chr15:48,448,783, G>C on the plus strand (C>G on the coding strand, the complement: FBN1 is on the minus strand). VCF-style: chr15-48448783-G-C. GRCh37 (hg19) VCF-style: chr15-48740980-G-C.
Other names: short protein forms Q1886E.
Identifiers: ClinVar variation 1171861 (VCV001171861.5), dbSNP rs1038114901, ClinGen allele CA269534994.

ClinVar aggregate classification (germline): Uncertain significance. Review status: criteria provided, multiple submitters, no conflicts (2 of 4 stars). 2 submissions from 2 submitters: Uncertain significance (2). Last evaluated 2024-03-07.

Conditions:
Marfan syndrome (MFS). Also called: Marfan syndrome type 1; Marfan's syndrome; Marfan syndrome, classic; MARFAN SYNDROME, TYPE I; FBN1-Related Marfan Syndrome. Identifiers: Orphanet 284963, Orphanet 558, MedGen C0024796, MONDO:0007947, OMIM 154700.
Familial thoracic aortic aneurysm and aortic dissection (TAAD). Also called: Thoracic aortic aneurysms and dissections. Identifiers: Orphanet 91387, MedGen C4707243, MONDO:0019625.

Allele frequency attached by ClinVar (database versions not stated): gnomAD 0.00003 and 0.00004; gnomAD exomes below 0.00001; TOPMed 0.00005.
gnomAD v4.1: 10 of 1,612,614 alleles (0.00062%); highest among the groups gnomAD compares: African/African-American, 0.012%; no homozygotes.

Submissions (2):

Color Diagnostics, LLC DBA Color Health
Classification: Uncertain significance for Familial thoracic aortic aneurysm and aortic dissection. Last evaluated: 2024-03-07. Review status: criteria provided, single submitter. Criteria: ACMG Guidelines, 2015. Collection method: clinical testing. Allele origin: germline.
Comment: This missense variant replaces glutamine with glutamic acid at codon 1886 of the FBN1 protein. Computational prediction suggests that this variant may not impact protein structure and function (internally defined REVEL score threshold <= 0.5, PMID: 27666373). To our knowledge, functional studies have not been reported for this variant. This variant has not been reported in individuals affected with cardiovascular disorders in the literature. This variant has been identified in 2/282218 chromosomes in the general population by the Genome Aggregation Database (gnomAD). The available evidence is insufficient to determine the role of this variant in disease conclusively. Therefore, this variant is classified as a Variant of Uncertain Significance.

All of Us Research Program, National Institutes of Health
Classification: Uncertain significance for Marfan syndrome. Last evaluated: 2024-01-11. Review status: criteria provided, single submitter. Criteria: ACMG Guidelines, 2015. Collection method: clinical testing. Allele origin: germline. Inheritance: Autosomal dominant inheritance. Observed: 2 variant alleles, 2 heterozygotes.
Comment: This missense variant replaces glutamine with glutamic acid at codon 1886 of the FBN1 protein. Computational prediction suggests that this variant may not impact protein structure and function (internally defined REVEL score threshold <= 0.5, PMID: 27666373). To our knowledge, functional studies have not been reported for this variant. This variant has not been reported in individuals affected with cardiovascular disorders in the literature. This variant has been identified in 2/282218 chromosomes in the general population by the Genome Aggregation Database (gnomAD). The available evidence is insufficient to determine the role of this variant in disease conclusively. Therefore, this variant is classified as a Variant of Uncertain Significance.

This study involves interpretation of variants in research participants for the purpose of population health screening. Participant phenotype was not available at the time of variant classification. Additional details can be found in publication PMID: 35346344, PMCID: PMC8962531